The following is an entry in ClinVar:

NM_004104.5(FASN):c.2733T>C (p.Pro911=)

Gene: FASN (fatty acid synthase; minus strand). Cytogenetic location: 17q25.3.
Variant type: single nucleotide variant.
Coding change: c.2733T>C on transcript NM_004104.5 (MANE Select); coding-DNA position 2733, T replaced by C.
Protein change: p.Pro911=; no amino-acid change (proline 911 retained).
Molecular consequence: synonymous variant.
Genome position (GRCh38, 1-based): chr17:82,088,168, A>G on the plus strand (T>C on the coding strand, the complement: FASN is on the minus strand). VCF-style: chr17-82088168-A-G. GRCh37 (hg19) VCF-style: chr17-80046044-A-G.
Identifiers: ClinVar variation 3046821 (VCV003046821.2), dbSNP rs2144796162, ClinGen allele CA502432811.

ClinVar aggregate classification (germline): Likely benign (0 of 4 stars; one submission).

Conditions:
FASN-related disorder. Also called: FASN-related condition.

Submission:

PreventionGenetics, part of Exact Sciences
Classification: Likely benign for FASN-related condition. Last evaluated: 2019-03-25. Review status: no assertion criteria provided. Collection method: clinical testing. Allele origin: germline.
Comment: This variant is classified as likely benign based on ACMG/AMP sequence variant interpretation guidelines (Richards et al. 2015 PMID: 25741868, with internal and published modifications).